The following is an entry in ClinVar:

NM_006766.5(KAT6A):c.5523C>A (p.His1841Gln)

Gene: KAT6A (lysine acetyltransferase 6A; minus strand). Cytogenetic location: 8p11.21.
Variant type: single nucleotide variant.
Coding change: c.5523C>A on transcript NM_006766.5 (MANE Select); coding-DNA position 5523, C replaced by A.
Protein change: p.His1841Gln; replaces histidine 1841 with glutamine.
Molecular consequence: missense variant.
Genome position (GRCh38, 1-based): chr8:41,932,697, G>T on the plus strand (C>A on the coding strand, the complement: KAT6A is on the minus strand). VCF-style: chr8-41932697-G-T. GRCh37 (hg19) VCF-style: chr8-41790215-G-T.
Other names: short protein forms H1841Q.
Identifiers: ClinVar variation 4747345 (VCV004747345.1).
Genomic context (GRCh38, chr8:41,932,697, plus strand): 5'-AGACTTGGAGCGGATGGAAATGTGCCCCTTCACTGGCATTTGCCCTTGCAATCTCTGCGT[G>T]TGAGGAATGCCAATGTTGGTGGCAGACATGTTGCACTGAAGCAGAGGAGATGTGAGGTTC-3'
Protein context (NP_006757.2, residues 1831-1851): NMSATNIGIP[His1841Gln]TQRLQGQMPV

ClinVar aggregate classification (germline): Uncertain significance (1 of 4 stars; one submission).

Submission:

Labcorp Genetics (formerly Invitae), Labcorp
Classification: Uncertain significance. Last evaluated: 2025-06-22. Review status: criteria provided, single submitter. Criteria: Invitae Variant Classification Sherloc (09022015). Collection method: clinical testing. Allele origin: germline.
Comment: This sequence change replaces histidine, which is basic and polar, with glutamine, which is neutral and polar, at codon 1841 of the KAT6A protein (p.His1841Gln). This variant is not present in population databases (gnomAD no frequency). This variant has not been reported in the literature in individuals affected with KAT6A-related conditions. Invitae Evidence Modeling of protein sequence and biophysical properties (such as structural, functional, and spatial information, amino acid conservation, physicochemical variation, residue mobility, and thermodynamic stability) indicates that this missense variant is not expected to disrupt KAT6A protein function with a negative predictive value of 95%. In summary, the available evidence is currently insufficient to determine the role of this variant in disease. Therefore, it has been classified as a Variant of Uncertain Significance.